The following is an entry in ClinVar:

ClinVar aggregate classification (germline): Pathogenic/Likely pathogenic. Review status: criteria provided, multiple submitters, no conflicts (2 of 4 stars). 3 submissions from 3 submitters: Pathogenic (2); Likely pathogenic (1). Last evaluated 2026-01-27.

Conditions:
Anauxetic dysplasia. Identifiers: Orphanet 93347, MedGen C1846796, MONDO:0011773.
Metaphyseal chondrodysplasia, McKusick type (CHH). Also called: Cartilage-Hair Hypoplasia (CHH); Cartilage-hair hypoplasia. Identifiers: Orphanet 175, MedGen C0220748, MONDO:0009595, OMIM 250250.

Submissions (3):

Natera, Inc.
Classification: Pathogenic for Cartilage-hair hypoplasia. Last evaluated: 2026-01-27. Review status: criteria provided, single submitter. Criteria: Natera Variant Classification Schema (03/2026). Collection method: clinical testing. Allele origin: germline.
Comment: The n.-21_-9dupACTCTGTGAAGCTvariant in RMRP is a duplication affecting the RMRP promoter region between the TATA box and the transcription initiation site. Other duplications and insertions just upstream of the transcription initiation site have been reported in individuals affected with cartilage-hair hypoplasia (PMID: 11207361, 17937437). This variant is rare in the general population with a frequency below the threshold expected for the associated phenotype(s). This variant has been observed in one or more individuals affected with the associated recessive disease, as either homozygous or compound heterozygous with a second variant (PMID: 16244706, 28743979). Given the available evidence, this variant is classified as Pathogenic.

Labcorp Genetics (formerly Invitae), Labcorp
Classification: Pathogenic for Anauxetic dysplasia. Last evaluated: 2025-09-23. Review status: criteria provided, single submitter. Criteria: Invitae Variant Classification Sherloc (09022015). Collection method: clinical testing. Allele origin: germline.
Comment: This variant occurs in the RMRP gene, which encodes an RNA molecule that does not result in a protein product. This variant is present in population databases (rs751921616, gnomAD 0.008%). This variant has been observed in individual(s) with RMRP-related conditions (PMID: 16244706; internal data). In at least one individual the data is consistent with being in trans (on the opposite chromosome) from a pathogenic variant. Other insertions and duplications immediately upstream of the coding sequence have been reported in individuals affected with cartilage-hair hypoplasia-anauxetic dysplasia (CHH-AD) spectrum disorders (PMID: 16244706, 11207361, 12107819). This variant is also known as g.22_10dupACTCTGTGAAGCT. ClinVar contains an entry for this variant (Variation ID: 465205). While functional studies for this variant have not been reported, experimental analyses using patient derived cells, as well as in vitro transfection studies, have shown that promoter insertions result in silencing of RMRP transcription and reduced expression of the gene product (PMID: 11207361, 16254002). For these reasons, this variant has been classified as Pathogenic.

Women's Health and Genetics/Laboratory Corporation of America, LabCorp
Classification: Likely pathogenic for Metaphyseal chondrodysplasia, McKusick type. Last evaluated: 2023-04-10. Review status: criteria provided, single submitter. Criteria: LabCorp Variant Classification Summary - May 2015. Collection method: clinical testing. Allele origin: germline.
Comment: Variant summary: RMRP n.-21_-9dup13 variant involves the duplication of 13 nucleotides in the promoter region of RMRP, which is located between the TATA box (-33 to -25) and the transcription initiation site. The variant allele was found at a frequency of 6.3e-05 in 157630 control chromosomes in gnomAD. This frequency is not significantly higher than estimated for a pathogenic variant in RMRP causing Cartilage-Hair Hypoplasia (6.3e-05 vs 0.0072), allowing no conclusion about variant significance. n.-21_-9dup13 has been reported in the literature in individuals affected with Cartilage-Hair Hypoplasia (Bonafe_2005, Turkkani_2009). These data indicate that the variant may be associated with disease. Additionally, the variant has been shown to impair chondrogenic trans-differentiation in fibroblasts of an affected patient (Steinbusch_2017). Similar type of duplications or insertios have been reported in CHH patients and shown to reduce the transcription of RMRP and were associated with lower shRNA expression (excample: Ridanpaa_2001, PMID 11207361, Hermanns_2005, PMID 16254002). Two clinical diagnostic laboratories have submitted clinical-significance assessments for this variant to ClinVar after 2014 and classified the variant as pathogenic/likely pathogenic. Based on the evidence outlined above, the variant was classified as likely pathogenic.

Literature cited by the submitters: PubMed 11207361 (cited by Natera, Inc. and Labcorp Genetics (formerly Invitae), Labcorp); PubMed 17937437 (cited by Natera, Inc.); PubMed 16244706 (cited by 3 submitters); PubMed 28743979 (cited by Natera, Inc. and Women's Health and Genetics/Laboratory Corporation of America, LabCorp); PubMed 12107819 (cited by Labcorp Genetics (formerly Invitae), Labcorp); PubMed 16254002 (cited by Labcorp Genetics (formerly Invitae), Labcorp); PubMed 17701897 (cited by Women's Health and Genetics/Laboratory Corporation of America, LabCorp); PubMed 20112607 (cited by Women's Health and Genetics/Laboratory Corporation of America, LabCorp); PubMed 17189938 (cited by Women's Health and Genetics/Laboratory Corporation of America, LabCorp).

NC_000009.12:g.35658029_35658041dup

Gene: RMRP (RNA component of mitochondrial RNA processing endoribonuclease; minus strand). Cytogenetic location: 9p13.3.
Variant type: Duplication.
Genome position: GRCh38 VCF-style: chr9-35658026-C-CAGCTTCACAGAGT. GRCh37 (hg19) VCF-style: chr9-35658023-C-CAGCTTCACAGAGT.
Identifiers: ClinVar variation 465205 (VCV000465205.13), dbSNP rs751921616, ClinGen allele CA5045883.